The following is an entry in ClinVar:

ClinVar aggregate classification (germline): Likely benign. Review status: criteria provided, single submitter (1 of 4 stars). 2 submissions from 2 submitters: Likely benign (1). 1 of the submissions does not count toward it. Last evaluated 2025-09-03.

Conditions:
Spastic paraplegia. Identifiers: MedGen C0037772, HP:0001258.
FA2H-related disorder. Also called: FA2H-related condition.

Allele frequency attached by ClinVar (database versions not stated): gnomAD exomes 0.00001 and 0.00005; ExAC 0.00002; TOPMed 0.00002.

Submissions (2):

Labcorp Genetics (formerly Invitae), Labcorp
Classification: Likely benign for Spastic paraplegia. Last evaluated: 2025-09-03. Review status: criteria provided, single submitter. Criteria: Invitae Variant Classification Sherloc (09022015). Collection method: clinical testing. Allele origin: germline.

PreventionGenetics, part of Exact Sciences
Classification: Likely benign for FA2H-related condition. Last evaluated: 2021-10-08. Review status: no assertion criteria provided. Collection method: clinical testing. Allele origin: germline. Not counted in ClinVar's aggregate classification.
Comment: This variant is classified as likely benign based on ACMG/AMP sequence variant interpretation guidelines (Richards et al. 2015 PMID: 25741868, with internal and published modifications).

NM_024306.5(FA2H):c.924C>T (p.Tyr308=)

Gene: FA2H (fatty acid 2-hydroxylase; minus strand). Cytogenetic location: 16q23.1.
Variant type: single nucleotide variant.
Coding change: c.924C>T on transcript NM_024306.5 (MANE Select); coding-DNA position 924, C replaced by T.
Protein change: p.Tyr308=; no amino-acid change (tyrosine 308 retained).
Molecular consequence: synonymous variant.
Genome position (GRCh38, 1-based): chr16:74,716,462, G>A on the plus strand (C>T on the coding strand, the complement: FA2H is on the minus strand). VCF-style: chr16-74716462-G-A. GRCh37 (hg19) VCF-style: chr16-74750360-G-A.
Identifiers: ClinVar variation 772199 (VCV000772199.8), dbSNP rs780860426, ClinGen allele CA8170350.